The following is an entry in ClinVar:

NM_004380.3(CREBBP):c.6880C>T (p.Arg2294Trp)

Gene: CREBBP (CREB binding lysine acetyltransferase; minus strand). Cytogenetic location: 16p13.3.
Variant type: single nucleotide variant.
Coding change: c.6880C>T on transcript NM_004380.3 (MANE Select); coding-DNA position 6880, C replaced by T.
Protein change: p.Arg2294Trp; replaces arginine 2294 with tryptophan.
Molecular consequence: missense variant.
Genome position (GRCh38, 1-based): chr16:3,728,167, G>A on the plus strand (C>T on the coding strand, the complement: CREBBP is on the minus strand). VCF-style: chr16-3728167-G-A. GRCh37 (hg19) VCF-style: chr16-3778168-G-A.
Other names: c.6766C>T, p.Arg2256Trp (NM_001079846.1); short protein forms R2256W, R2294W.
Identifiers: ClinVar variation 5002636 (VCV005002636.1).

ClinVar aggregate classification (germline): Uncertain significance (1 of 4 stars; one submission).

Conditions:
CREBBP-related disorder. Also called: CREBBP-related condition; CREBBP-related disorders.

gnomAD v4.1: 5 of 1,613,950 alleles (0.00031%); highest among the groups gnomAD compares: Admixed American, 0.0017%; no homozygotes.

Submission:

PreventionGenetics, part of Exact Sciences
Classification: Uncertain significance for CREBBP-related condition. Last evaluated: 2025-04-16. Review status: criteria provided, single submitter. Criteria: ACMG Guidelines, 2015. Collection method: clinical testing. Allele origin: germline.
Comment: The CREBBP c.6880C>T variant is predicted to result in the amino acid substitution p.Arg2294Trp. To our knowledge, this variant has not been reported in the literature. This variant is reported in 0.0029% of alleles in individuals of Latino descent in gnomAD. At this time, the clinical significance of this variant is uncertain due to the absence of conclusive functional and genetic evidence.